The following is an entry in ClinVar:

ClinVar aggregate classification (germline): Uncertain significance. Review status: criteria provided, multiple submitters, no conflicts (2 of 4 stars). 2 submissions from 2 submitters: Uncertain significance (2). Last evaluated 2023-08-17.

Conditions:
Dystonia 12 (DYT12). Also called: Rapid-Onset Dystonia-Parkinsonism (RDP); DYT-ATP1A3. Identifiers: Orphanet 71517, MedGen C1868681, MONDO:0007496, OMIM 128235.

Submissions (2):

Labcorp Genetics (formerly Invitae), Labcorp
Classification: Uncertain significance for Dystonia 12. Last evaluated: 2023-08-17. Review status: criteria provided, single submitter. Criteria: Invitae Variant Classification Sherloc (09022015). Collection method: clinical testing. Allele origin: germline.
Comment: In summary, the available evidence is currently insufficient to determine the role of this variant in disease. Therefore, it has been classified as a Variant of Uncertain Significance. Advanced modeling of protein sequence and biophysical properties (such as structural, functional, and spatial information, amino acid conservation, physicochemical variation, residue mobility, and thermodynamic stability) performed at Invitae indicates that this missense variant is expected to disrupt ATP1A3 protein function. ClinVar contains an entry for this variant (Variation ID: 374466). This variant has not been reported in the literature in individuals affected with ATP1A3-related conditions. This variant is not present in population databases (gnomAD no frequency). This sequence change replaces alanine, which is neutral and non-polar, with threonine, which is neutral and polar, at codon 599 of the ATP1A3 protein (p.Ala599Thr).

CeGaT Center for Human Genetics Tuebingen
Classification: Uncertain significance. Last evaluated: 2016-08-01. Review status: criteria provided, single submitter. Criteria: CeGaT Center For Human Genetics Tuebingen Variant Classification Criteria Version 2. Collection method: clinical testing. Allele origin: germline. Affected: yes. Observed: 1 variant allele.

NM_152296.5(ATP1A3):c.1795G>A (p.Ala599Thr)

Gene: ATP1A3 (ATPase Na+/K+ transporting subunit alpha 3; minus strand). Cytogenetic location: 19q13.2.
Variant type: single nucleotide variant.
Coding change: c.1795G>A on transcript NM_152296.5 (MANE Select); coding-DNA position 1795, G replaced by A.
Protein change: p.Ala599Thr; replaces alanine 599 with threonine.
Molecular consequence: missense variant.
Genome position (GRCh38, 1-based): chr19:41,978,162, C>T on the plus strand (G>A on the coding strand, the complement: ATP1A3 is on the minus strand). VCF-style: chr19-41978162-C-T. GRCh37 (hg19) VCF-style: chr19-42482314-C-T.
Other names: c.1828G>A, p.Ala610Thr (NM_001256213.2); c.1834G>A, p.Ala612Thr (NM_001256214.2); short protein forms A599T, A612T, A610T.
Identifiers: ClinVar variation 374466 (VCV000374466.48), dbSNP rs1057519113, ClinGen allele CA16043749.